The following is an entry in ClinVar:

NM_001987.5(ETV6):c.575C>A (p.Pro192His)

Gene: ETV6 (ETS variant transcription factor 6; plus strand). Cytogenetic location: 12p13.2.
Variant type: single nucleotide variant.
Coding change: c.575C>A on transcript NM_001987.5 (MANE Select); coding-DNA position 575, C replaced by A.
Protein change: p.Pro192His; replaces proline 192 with histidine.
Molecular consequence: missense variant.
Genome position (GRCh38, 1-based): chr12:11,869,535, C>A. VCF-style: chr12-11869535-C-A. GRCh37 (hg19) VCF-style: chr12-12022469-C-A.
Other names: c.572C>A, p.Pro191His (NM_001413913.1); c.548C>A, p.Pro183His (NM_001413914.1); c.311C>A, p.Pro104His (NM_001413915.1); c.575C>A, p.Pro192His (NM_001413916.1, NM_001413917.1); short protein forms P104H, P191H, P192H, P183H.
Identifiers: ClinVar variation 3846443 (VCV003846443.1).

ClinVar aggregate classification (germline): Uncertain significance (1 of 4 stars; one submission).

Conditions:
Inborn genetic diseases. Identifiers: MedGen C0950123, MeSH D030342.

gnomAD v4.1: 3 of 1,614,040 alleles (0.00019%); highest among the groups gnomAD compares: Non-Finnish European, 0.00025%; no homozygotes.

Submission:

Ambry Genetics
Classification: Uncertain significance for Inborn genetic diseases. Last evaluated: 2025-02-01. Review status: criteria provided, single submitter. Criteria: Ambry Variant Classification Scheme 2023. Collection method: clinical testing. Allele origin: germline.
Comment: The p.P192H variant (also known as c.575C>A), located in coding exon 5 of the ETV6 gene, results from a C to A substitution at nucleotide position 575. The proline at codon 192 is replaced by histidine, an amino acid with similar properties. This amino acid position is conserved. In addition, this alteration is predicted to be tolerated by in silico analysis. Based on the available evidence, the clinical significance of this variant remains unclear.